The following is an entry in ClinVar:

ClinVar aggregate classification (germline): Likely benign. Review status: criteria provided, single submitter (1 of 4 stars). 2 submissions from 2 submitters: Likely benign (1). 1 of the submissions does not count toward it. Last evaluated 2023-02-06.

Conditions:
Cardiomyopathy (CMYO). Also called: Cardiomyopathies. Identifiers: Orphanet 167848, MedGen C0878544, MONDO:0004994, HP:0001638. Inheritance: Various modes of inheritance.
Familial cardiomyopathy. Identifiers: MedGen C0264789, MONDO:0005217.

Submissions (2):

Color Diagnostics, LLC DBA Color Health
Classification: Likely benign for Cardiomyopathy. Last evaluated: 2023-02-06. Review status: criteria provided, single submitter. Criteria: ACMG Guidelines, 2015. Collection method: clinical testing. Allele origin: germline.

Evolutionary and Medical Genetics Laboratory,  Centre for Cellular and Molecular Biology
Classification: Uncertain significance. Review status: no assertion criteria provided. Collection method: not provided. Allele origin: unknown. Not counted in ClinVar's aggregate classification.
Comment: Synonymous
ClinVar note: Converted during submission from unknown to Uncertain significance.

NM_000257.4(MYH7):c.1245G>A (p.Gln415=)

Gene: MYH7 (myosin heavy chain 7; minus strand). Cytogenetic location: 14q11.2.
Variant type: single nucleotide variant.
Coding change: c.1245G>A on transcript NM_000257.4 (MANE Select); coding-DNA position 1245, G replaced by A.
Protein change: p.Gln415=; no amino-acid change (glutamine 415 retained).
Molecular consequence: synonymous variant.
Genome position (GRCh38, 1-based): chr14:23,429,241, C>T on the plus strand (G>A on the coding strand, the complement: MYH7 is on the minus strand). VCF-style: chr14-23429241-C-T. GRCh37 (hg19) VCF-style: chr14-23898450-C-T.
Other names: Q415Q.
Identifiers: ClinVar variation 132929 (VCV000132929.4), dbSNP rs606231320, ClinGen allele CA010426.